The following is an entry in ClinVar:

NM_001042472.3(ABHD12):c.1145C>T (p.Pro382Leu)

Gene: ABHD12 (abhydrolase domain containing 12, lysophospholipase; minus strand). Cytogenetic location: 20p11.21.
Variant type: single nucleotide variant.
Coding change: c.1145C>T on transcript NM_001042472.3 (MANE Select); coding-DNA position 1145, C replaced by T.
Protein change: p.Pro382Leu; replaces proline 382 with leucine.
Molecular consequence: missense variant.
Genome position (GRCh38, 1-based): chr20:25,302,231, G>A on the plus strand (C>T on the coding strand, the complement: ABHD12 is on the minus strand). VCF-style: chr20-25302231-G-A. GRCh37 (hg19) VCF-style: chr20-25282867-G-A.
Other names: c.1145C>T, p.Pro382Leu (NM_015600.5); short protein forms P382L.
Identifiers: ClinVar variation 864495 (VCV000864495.6), dbSNP rs776269106, ClinGen allele CA9795817.

ClinVar aggregate classification (germline): Uncertain significance. Review status: criteria provided, multiple submitters, no conflicts (2 of 4 stars). 3 submissions from 3 submitters: Uncertain significance (3). Last evaluated 2026-04-12.

Conditions:
ABHD12-related disorder. Also called: ABHD12-related condition.
Inborn genetic diseases. Identifiers: MedGen C0950123, MeSH D030342.

Allele frequency attached by ClinVar (database versions not stated): gnomAD 0.00001; ExAC 0.00002; gnomAD exomes 0.00002 and 0.00003; TOPMed 0.00002.

Submissions (3):

PreventionGenetics, part of Exact Sciences
Classification: Uncertain significance for ABHD12-related condition. Last evaluated: 2026-04-12. Review status: criteria provided, single submitter. Criteria: ACMG Guidelines, 2015. Collection method: clinical testing. Allele origin: germline.
Comment: The ABHD12 c.1145C>T variant is predicted to result in the amino acid substitution p.Pro382Leu. This variant was reported in an individual with Retinal / optic nerve disease and assessed as a variant of uncertain significance (Table S12, Diñeiro et al. 2020. PubMed ID: 32483926). This variant is reported in 0.023% of alleles in individuals of Latino descent in gnomAD. At this time, the clinical significance of this variant is uncertain due to the absence of conclusive functional and genetic evidence.

Labcorp Genetics (formerly Invitae), Labcorp
Classification: Uncertain significance. Last evaluated: 2022-08-16. Review status: criteria provided, single submitter. Criteria: Invitae Variant Classification Sherloc (09022015). Collection method: clinical testing. Allele origin: germline.
Comment: This sequence change replaces proline, which is neutral and non-polar, with leucine, which is neutral and non-polar, at codon 382 of the ABHD12 protein (p.Pro382Leu). This variant is present in population databases (rs776269106, gnomAD 0.02%). This variant has not been reported in the literature in individuals affected with ABHD12-related conditions. ClinVar contains an entry for this variant (Variation ID: 864495). Algorithms developed to predict the effect of missense changes on protein structure and function (SIFT, PolyPhen-2, Align-GVGD) all suggest that this variant is likely to be tolerated. In summary, the available evidence is currently insufficient to determine the role of this variant in disease. Therefore, it has been classified as a Variant of Uncertain Significance.

Ambry Genetics
Classification: Uncertain significance for Inborn genetic diseases. Last evaluated: 2021-10-20. Review status: criteria provided, single submitter. Criteria: Ambry Variant Classification Scheme 2023. Collection method: clinical testing. Allele origin: germline.